The following is an entry in ClinVar:

ClinVar aggregate classification (germline): Uncertain significance (1 of 4 stars; one submission).

Submission:

GeneDx
Classification: Uncertain significance. Last evaluated: 2024-01-12. Review status: criteria provided, single submitter. Criteria: GeneDx Variant Classification Process June 2021. Collection method: clinical testing. Allele origin: germline. Affected: yes.
Comment: Not observed at significant frequency in large population cohorts (gnomAD); Missense variants in this gene are a common cause of disease and they are underrepresented in the general population; In silico analysis supports that this missense variant has a deleterious effect on protein structure/function; Has not been previously published as pathogenic or benign to our knowledge

NM_004333.6(BRAF):c.1208C>T (p.Pro403Leu)

Gene: BRAF (B-Raf proto-oncogene, serine/threonine kinase; minus strand). Cytogenetic location: 7q34.
Variant type: single nucleotide variant.
Coding change: c.1208C>T on transcript NM_004333.6 (MANE Select); coding-DNA position 1208, C replaced by T.
Protein change: p.Pro403Leu; replaces proline 403 with leucine.
Molecular consequence: missense variant. On other transcripts: intron variant (2).
Genome position (GRCh38, 1-based): chr7:140,783,127, G>A on the plus strand (C>T on the coding strand, the complement: BRAF is on the minus strand). VCF-style: chr7-140783127-G-A. GRCh37 (hg19) VCF-style: chr7-140482927-G-A.
Other names: c.1208C>T, p.Pro403Leu (NM_001354609.2, NM_001378468.1, NM_001378474.1); c.1328C>T, p.Pro443Leu (NM_001374244.1, NM_001374258.1); c.1217C>T, p.Pro406Leu (NM_001378467.1); c.1106C>T, p.Pro369Leu (NM_001378470.1); c.1052C>T, p.Pro351Leu (NM_001378472.1, NM_001378473.1); c.944C>T, p.Pro315Leu (NM_001378475.1); c.1141-44C>T (NM_001378471.1); c.1178-36C>T (NM_001378469.1); short protein forms P315L, P351L, P369L, P403L, P406L, P443L.
Identifiers: ClinVar variation 3367875 (VCV003367875.1).